The following is an entry in ClinVar:

NM_003001.5(SDHC):c.379C>T (p.His127Tyr)

Gene: SDHC (succinate dehydrogenase complex subunit C; plus strand). Cytogenetic location: 1q23.3.
Variant type: single nucleotide variant.
Coding change: c.379C>T on transcript NM_003001.5 (MANE Select); coding-DNA position 379, C replaced by T.
Protein change: p.His127Tyr; replaces histidine 127 with tyrosine.
Molecular consequence: missense variant. On other transcripts: non-coding transcript variant (1), intron variant (3).
Genome position (GRCh38, 1-based): chr1:161,356,814, C>T. VCF-style: chr1-161356814-C-T. GRCh37 (hg19) VCF-style: chr1-161326604-C-T.
Other names: c.277C>T, p.His93Tyr (NM_001035512.3); c.220C>T, p.His74Tyr (NM_001035513.3); c.499C>T, p.His167Tyr (NM_001407115.1); c.322C>T, p.His108Tyr (NM_001407116.1); c.316C>T, p.His106Tyr (NM_001407117.1); c.271C>T, p.His91Tyr (NM_001407118.1); c.268C>T, p.His90Tyr (NM_001407119.1, NM_001407120.1); c.242-5515C>T (NM_001035511.3); and 2 more; short protein forms H127Y, H93Y, H74Y, H106Y, H108Y, H167Y, H90Y, H91Y.
Identifiers: ClinVar variation 835716 (VCV000835716.12), dbSNP rs1485675090, ClinGen allele CA343456686.
Genomic context (GRCh38, chr1:161,356,814, plus strand): 5'-TGTCTGGGGCCAGCACTGATCCACACAGCTAAGTTTGCACTTGTCTTCCCTCTCATGTAT[C>T]ATACCTGGAATGGGATCCGACACTTGGTAAGTTAATTCGGGATTTGCACATTTTCTCTGT-3'
Protein context (NP_002992.1, residues 117-137): KFALVFPLMY[His127Tyr]TWNGIRHLMW

ClinVar aggregate classification (germline): Pathogenic. Review status: criteria provided, multiple submitters, no conflicts (2 of 4 stars). 3 submissions from 3 submitters: Pathogenic (3). Last evaluated 2025-06-02.

Conditions:
Hereditary cancer-predisposing syndrome. Also called: Neoplastic Syndromes, Hereditary; Tumor predisposition; Hereditary Cancer Syndrome; Hereditary neoplastic syndrome. Identifiers: Orphanet 140162, MedGen C0027672, MeSH D009386, MONDO:0015356.
Pheochromocytoma/paraganglioma syndrome 3. Also called: GLOMUS TUMORS, FAMILIAL, 3; Paragangliomas 3; SDHC-Related Hereditary Paraganglioma-Pheochromocytoma Syndrome (Paragangliomas 3); SDHC-Related Hereditary Paraganglioma-Pheochromocytoma Syndrome. Identifiers: Orphanet 29072, MedGen C1854336, MONDO:0011544, OMIM 605373.
Gastrointestinal stromal tumor. Also called: Gastrointestinal stromal tumor, somatic; Gastrointestinal stroma tumor. Identifiers: Orphanet 44890, MedGen C0238198, MeSH D046152, MONDO:0011719, OMIM 606764, HP:0100723.
Hereditary pheochromocytoma and paraganglioma. Also called: Hereditary pheochromocytoma-paraganglioma; Hereditary Paraganglioma-Pheochromocytoma Syndromes; Hereditary paragangliomas and pheochromocytomas. Identifiers: Orphanet 29072, MedGen C4274332, MONDO:0017366.

Allele frequency attached by ClinVar (database versions not stated): gnomAD exomes below 0.00001.

Submissions (3):

Color Diagnostics, LLC DBA Color Health
Classification: Pathogenic for Hereditary pheochromocytoma and paraganglioma. Last evaluated: 2025-06-02. Review status: criteria provided, single submitter. Criteria: ACMG Guidelines, 2015. Collection method: clinical testing. Allele origin: germline.
Comment: This missense variant replaces histidine with tyrosine at codon 127 of the SDHC protein. Computational prediction suggests that this variant may have deleterious impact on protein structure and function. Functional studies have shown that this variant disrupts the SDHC heme-binding site and abolishes succinate ubiquinone oxidoreductase and succinate dehydrogenase activities and results in protein instability (PMID: 19332149). This variant has been reported in several individuals affected with pheochromocytoma and paraganglioma (PMID: 23162105, 24758179, 28552549, 31212687, 30050099, 32462735, 33748650). This variant has not been identified in the general population by the Genome Aggregation Database (gnomAD). Based on the available evidence, this variant is classified as Pathogenic.

Ambry Genetics
Classification: Pathogenic for Hereditary cancer-predisposing syndrome. Last evaluated: 2024-11-12. Review status: criteria provided, single submitter. Criteria: Ambry Variant Classification Scheme 2023. Collection method: clinical testing. Allele origin: germline.
Comment: The p.H127Y pathogenic mutation (also known as c.379C>T), located in coding exon 5 of the SDHC gene, results from a C to T substitution at nucleotide position 379. The histidine at codon 127 is replaced by tyrosine, an amino acid with similar properties. This mutation has been reported in multiple individuals with a paraganglioma or pheochromocytoma (Buffet A et al. Horm Metab Res, 2012 May;44:359-66; Else T et al. J Clin Endocrinol Metab, 2014 Aug;99:E1482-6; Gieldon L et al. Cancers (Basel), 2019 Jun;11:; Richter S et al. Genet Med, 2019 03;21:705-717; Smith JD et al. OTO Open Mar;5:2473974X21995453). Two other alterations at the same codon, p.H127D (c.379C>G) and p.H127R (c.380A>G), have been detected in multiple individuals with a paraganglioma, gastrointestinal stromal tumor, or renal carcinoma (Rattenberry E et al. J Clin Endocrinol Metab, 2013 Jul;98:E1248-56; D&eacute;nes J et al. J Clin Endocrinol Metab, 2015 Mar;100:E531-41; Gill AJ et al. Pathology, 2013 12;45:689-91; Pczkowska M et al. Eur J Endocrinol, 2017 Feb;176:143-157; Casey RT et al. Sci Rep, 2019 07;9:10244). Based on internal structural analysis, p.H127Y disrupts the SDHC heme-binding site, within which there are other internally pathogenic variants (Sun F et al. Cell, 2005 Jul;121:1043-57; Fufezan C et al. Proteins, 2008 Nov;73:690-704; Lemarie A et al. Mitochondrion, 2009 Jul;9:254-60). In an in vitro functional study, this mutation inhibited complex II assembly and abrogated complex II enzymatic activity (Lemarie A et al. Mitochondrion, 2009 Jul;9:254-60). This variant is considered to be rare based on population cohorts in the Genome Aggregation Database (gnomAD). This amino acid position is highly conserved in available vertebrate species. In addition, this alteration is predicted to be deleterious by in silico analysis. Based on the supporting evidence, this alteration is interpreted as a disease-causing mutation.

Labcorp Genetics (formerly Invitae), Labcorp
Classification: Pathogenic for Pheochromocytoma/paraganglioma syndrome 3; Gastrointestinal stromal tumor. Last evaluated: 2024-06-24. Review status: criteria provided, single submitter. Criteria: Invitae Variant Classification Sherloc (09022015). Collection method: clinical testing. Allele origin: germline.
Comment: This sequence change replaces histidine, which is basic and polar, with tyrosine, which is neutral and polar, at codon 127 of the SDHC protein (p.His127Tyr). This variant is not present in population databases (gnomAD no frequency). This missense change has been observed in individuals with clinical features of paraganglioma-pheochromocytoma syndromes (PMID: 22517557, 23162105, 24758179, 26273102, 30050099). ClinVar contains an entry for this variant (Variation ID: 835716). Advanced modeling of protein sequence and biophysical properties (such as structural, functional, and spatial information, amino acid conservation, physicochemical variation, residue mobility, and thermodynamic stability) performed at Invitae indicates that this missense variant is expected to disrupt SDHC protein function with a positive predictive value of 95%. Experimental studies have shown that this missense change affects SDHC function (PMID: 19332149). This variant disrupts the p.His127 amino acid residue in SDHC. Other variant(s) that disrupt this residue have been determined to be pathogenic (PMID: 23666964, 24150194, 25494863). This suggests that this residue is clinically significant, and that variants that disrupt this residue are likely to be disease-causing. For these reasons, this variant has been classified as Pathogenic.

Literature cited by the submitters: PubMed 19332149 (cited by 3 submitters); PubMed 23162105 (cited by Color Diagnostics, LLC DBA Color Health and Labcorp Genetics (formerly Invitae), Labcorp); PubMed 24758179 (cited by 3 submitters); PubMed 28552549 (cited by Color Diagnostics, LLC DBA Color Health); PubMed 30050099 (cited by 3 submitters); PubMed 31212687 (cited by Color Diagnostics, LLC DBA Color Health and Ambry Genetics); PubMed 32462735 (cited by Color Diagnostics, LLC DBA Color Health); PubMed 33748650 (cited by Color Diagnostics, LLC DBA Color Health and Ambry Genetics); PubMed 22517557 (cited by Ambry Genetics and Labcorp Genetics (formerly Invitae), Labcorp); PubMed 26273102 (cited by Labcorp Genetics (formerly Invitae), Labcorp); PubMed 23666964 (cited by Labcorp Genetics (formerly Invitae), Labcorp); PubMed 24150194 (cited by Labcorp Genetics (formerly Invitae), Labcorp); PubMed 25494863 (cited by Labcorp Genetics (formerly Invitae), Labcorp).